The following is an entry in ClinVar:

Conditions:
Thoracic aortic dissection. Identifiers: MedGen C0729233.

Submission:

Yu Lab, Soochow University
No classification provided (evidence only). Condition: Thoracic aortic dissection. Last evaluated: 2024-04-18. Review status: no classification provided. Collection method: in vitro. Allele origin: not applicable. Inheritance: Sporadic. Functional consequence: decreased transcript level variant.
Comment: This single nucleotide variant in Ch3: 194136145 A>G was first found in human thoracic aortic dissection patients, obtained from SNP calling data in our unpublished 10X single cell data. Besides, this variant also resulted in the decreased expression level of HES1 gene (Data unpublished)

"not provided" was previously submitted as the classification for the variant. It was converted to no classification on 2025-07-30.

NC_000003.12:g.194136145A>G

Gene: LOC126806915 (BRD4-independent group 4 enhancer GRCh37_chr3:193853895-193855094; plus strand). Cytogenetic location: 3q29.
Variant type: single nucleotide variant.
Genome position: GRCh38 VCF-style: chr3-194136145-A-G. GRCh37 (hg19) VCF-style: chr3-193853934-A-G.
Identifiers: ClinVar variation 3236688 (VCV003236688.2), dbSNP rs2474184034, ClinGen allele CA2825001262.
Genomic context (GRCh38, chr3:194,136,145, plus strand): 5'-TTTCACACGAGCCGTTCGCGTGCAGTCCCAGATATATATAGAGGCCGCCAGGGCCTAGGG[A>G]TCACACAGGATCCGGAGCTGGTGCTGATAACAGCGGAATCCCCCGTCTACCTCTCTCCTT-3'